The following is an entry in ClinVar:

NM_001401501.2(MUC16):c.39833-5A>T

Gene: MUC16 (mucin 16, cell surface associated; minus strand). Cytogenetic location: 19p13.2.
Variant type: single nucleotide variant.
Coding change: c.39833-5A>T on transcript NM_001401501.2 (MANE Select); 5 bases into the intron before coding-DNA position 39833, A replaced by T.
Molecular consequence: intron variant.
Genome position (GRCh38, 1-based): chr19:8,895,740, T>A on the plus strand (A>T on the coding strand, the complement: MUC16 is on the minus strand). VCF-style: chr19-8895740-T-A. GRCh37 (hg19) VCF-style: chr19-9006416-T-A.
Other names: c.40259-5A>T (NM_001414686.1); c.39713-5A>T (NM_001414687.1); c.39607-5A>T (NM_024690.2).
Identifiers: ClinVar variation 768967 (VCV000768967.5), dbSNP rs77248019, ClinGen allele CA9163929.

ClinVar aggregate classification (germline): Likely benign. Review status: criteria provided, single submitter (1 of 4 stars). 2 submissions from 2 submitters: Likely benign (1). 1 of the submissions does not count toward it. Last evaluated 2018-08-10.

Conditions:
MUC16-related disorder. Also called: MUC16-related condition.

Allele frequency attached by ClinVar (database versions not stated): gnomAD 0.02158; 1000 Genomes Project 30x 0.06761; ExAC 0.22446.

Submissions (2):

Labcorp Genetics (formerly Invitae), Labcorp
Classification: Likely benign. Last evaluated: 2018-08-10. Review status: criteria provided, single submitter. Criteria: Invitae Variant Classification Sherloc (09022015). Collection method: clinical testing. Allele origin: germline.

PreventionGenetics, part of Exact Sciences
Classification: Likely benign for MUC16-related condition. Last evaluated: 2019-11-27. Review status: no assertion criteria provided. Collection method: clinical testing. Allele origin: germline. Not counted in ClinVar's aggregate classification.
Comment: This variant is classified as likely benign based on ACMG/AMP sequence variant interpretation guidelines (Richards et al. 2015 PMID: 25741868, with internal and published modifications).